The following is an entry in ClinVar:

NM_001048174.2(MUTYH):c.937C>A (p.Leu313Met)

Gene: MUTYH (mutY DNA glycosylase; minus strand). Cytogenetic location: 1p34.1.
Variant type: single nucleotide variant.
Coding change: c.937C>A on transcript NM_001048174.2 (MANE Select); coding-DNA position 937, C replaced by A.
Protein change: p.Leu313Met; replaces leucine 313 with methionine.
Molecular consequence: missense variant. On other transcripts: non-coding transcript variant (7).
Genome position (GRCh38, 1-based): chr1:45,331,826, G>T on the plus strand (C>A on the coding strand, the complement: MUTYH is on the minus strand). VCF-style: chr1-45331826-G-T. GRCh37 (hg19) VCF-style: chr1-45797498-G-T.
Other names: c.937C>A, p.Leu313Met (NM_001293195.2, NM_001407070.1, NM_001407072.1 and 6 more transcripts); c.661C>A, p.Leu221Met (NM_001293196.2, NM_001407091.1, NM_001293192.2); c.592C>A, p.Leu198Met (NM_001350650.2, NM_001350651.2, NM_001407082.1); c.970C>A, p.Leu324Met (NM_001407069.1, NM_001293191.2, NM_001407077.1); c.940C>A, p.Leu314Met (NM_001407071.1, NM_001048172.2, NM_001407078.1 and 1 more transcripts); c.958C>A, p.Leu320Met (NM_001407087.1); c.1012C>A, p.Leu338Met (NM_012222.3); c.1021C>A, p.Leu341Met (NM_001128425.2); and 5 more; short protein forms L198M, L300M, L320M, L327M, L328M, L338M, L221M, L285M.
Identifiers: ClinVar variation 4112932 (VCV004112932.1).

ClinVar aggregate classification (germline): Uncertain significance (1 of 4 stars; one submission).

Conditions:
Hereditary cancer-predisposing syndrome. Also called: Tumor predisposition; Neoplastic Syndromes, Hereditary; Hereditary neoplastic syndrome; Hereditary Cancer Syndrome. Identifiers: Orphanet 140162, MedGen C0027672, MeSH D009386, MONDO:0015356.

Submission:

Ambry Genetics
Classification: Uncertain significance for Hereditary cancer-predisposing syndrome. Last evaluated: 2025-08-27. Review status: criteria provided, single submitter. Criteria: Ambry Variant Classification Scheme 2023. Collection method: clinical testing. Allele origin: germline.
Comment: The p.L341M variant (also known as c.1021C>A), located in coding exon 12 of the MUTYH gene, results from a C to A substitution at nucleotide position 1021. The leucine at codon 341 is replaced by methionine, an amino acid with highly similar properties. This amino acid position is conserved. In addition, this alteration is predicted to be tolerated by in silico analysis. Based on the available evidence, the clinical significance of this variant remains unclear.